The following is an entry in ClinVar:

ClinVar aggregate classification (germline): Uncertain significance (1 of 4 stars; one submission).

Conditions:
Joubert syndrome 27 (JBTS27). Identifiers: MedGen C4310706, MONDO:0014927, OMIM 617120.

Submission:

Neuberg Centre For Genomic Medicine, NCGM
Classification: Uncertain significance for Joubert syndrome 27. Review status: criteria provided, single submitter. Criteria: ACMG Guidelines, 2015. Collection method: clinical testing. Allele origin: germline. Inheritance: Autosomal recessive inheritance. Affected: yes.
Comment: The splice site c.63+3G>T variant in the B9D1 gene has not been reported previously as a pathogenic variant nor as a benign variant, to our knowledge. The variant is absent in the gnomAD Exomes. This splice variant in intron 1 affects the position three nucleotides downstream of exon 1. Splice site prediction tools predict a moderate splicing effect for this variant. Further studies are required to prove the pathogenicity of this variant. For these reasons, this variant has been classified as Uncertain Significance.

NM_015681.6(B9D1):c.63+3G>T

Genes: B9D1 (B9 domain containing 1; minus strand), LOC130060455 (ATAC-STARR-seq lymphoblastoid silent region 8288; plus strand). Cytogenetic location: 17p11.2.
Variant type: single nucleotide variant.
Coding change: c.63+3G>T on transcript NM_015681.6 (MANE Select); 3 bases into the intron after coding-DNA position 63, G replaced by T.
Molecular consequence: intron variant.
Genome position (GRCh38, 1-based): chr17:19,362,504, C>A on the plus strand (G>T on the coding strand, the complement: B9D1 is on the minus strand). VCF-style: chr17-19362504-C-A. GRCh37 (hg19) VCF-style: chr17-19265817-C-A.
Other names: c.-297-2116G>T (NM_001368769.2); c.63+3G>T (NM_001321219.2, NM_001321218.2, NM_001321217.2 and 4 more transcripts).
Identifiers: ClinVar variation 3391288 (VCV003391288.1).